The following is an entry in ClinVar:

NM_001347721.2(DYRK1A):c.1298C>T (p.Ser433Leu)

Gene: DYRK1A (dual specificity tyrosine phosphorylation regulated kinase 1A; plus strand). Cytogenetic location: 21q22.13.
Variant type: single nucleotide variant.
Coding change: c.1298C>T on transcript NM_001347721.2 (MANE Select); coding-DNA position 1298, C replaced by T.
Protein change: p.Ser433Leu; replaces serine 433 with leucine.
Molecular consequence: missense variant.
Genome position (GRCh38, 1-based): chr21:37,505,368, C>T. VCF-style: chr21-37505368-C-T. GRCh37 (hg19) VCF-style: chr21-38877671-C-T.
Other names: c.1298C>T, p.Ser433Leu (NM_001347722.2, NM_130436.2); c.1211C>T, p.Ser404Leu (NM_001347723.2); c.1325C>T, p.Ser442Leu (NM_001396.5, NM_101395.2, NM_130438.2); short protein forms S404L, S433L, S442L.
Identifiers: ClinVar variation 4886197 (VCV004886197.2).
Genomic context (GRCh38, chr21:37,505,368, plus strand): 5'-AACTTCATAACATTCTTGGAGTGGAAACAGGAGGACCTGGTGGGCGACGTGCTGGGGAGT[C>T]AGGTCATACGGTCGCTGACTACTTGAAGTTCAAAGACCTCATTTTAAGGATGCTTGATTA-3'
Protein context (NP_001334650.1, residues 423-443): GGPGGRRAGE[Ser433Leu]GHTVADYLKF

ClinVar aggregate classification (germline): Uncertain significance (1 of 4 stars; one submission).

Submission:

Dasa
Classification: Uncertain significance. Last evaluated: 2025-08-25. Review status: criteria provided, single submitter. Criteria: DASA Assertion Criteria. Collection method: clinical testing. Allele origin: germline.
Comment: NM_001347721.2(DYRK1A):c.1298C>T (p.Ser433Leu) is a missense variant that results in the substitution of serine with leucine. This variant is absent from population databases. Computational prediction algorithms are consistent with a benign effect. The currently available literature and clinical evidence are not sufficient to establish a definitive association between this variant and the reported condition. Therefore, this variant is classified as a variant of uncertain significance.